The following is an entry in ClinVar:

ClinVar aggregate classification (germline): Pathogenic (1 of 4 stars; one submission).

Conditions:
Very long chain acyl-CoA dehydrogenase deficiency (ACADVLD). Also called: Very Long-Chain Acyl-Coenzyme A Dehydrogenase Deficiency; VLCAD Deficiency. Identifiers: Orphanet 26793, MedGen C3887523, MONDO:0008723, OMIM 201475.

Submission:

Natera, Inc.
Classification: Pathogenic for Very long chain acyl-CoA dehydrogenase deficiency. Last evaluated: 2025-10-14. Review status: criteria provided, single submitter. Criteria: Natera Variant Classification Schema (03/2026). Collection method: clinical testing. Allele origin: germline.
Comment: The c.623-2A>G variant in ACADVL is a canonical splice acceptor site variant predicted to affect pre-mRNA splicing, which may result in an abnormal transcript and altered protein product. This variant is expected to result in nonsense mediated decay, truncation, or a dysfunctional protein product. This variant is rare in the general population with a frequency below the threshold expected for the associated phenotype(s). Another variant at this same site results in an alteration predicted to cause a similar molecular effect has been observed in individual(s) with the associated phenotype. Given the available evidence, this variant is classified as Pathogenic.

NM_000018.4(ACADVL):c.623-2A>G

Gene: ACADVL (acyl-CoA dehydrogenase very long chain; plus strand). Cytogenetic location: 17p13.1.
Variant type: single nucleotide variant.
Coding change: c.623-2A>G on transcript NM_000018.4 (MANE Select); the canonical splice acceptor site of the intron before coding-DNA position 623, A replaced by G.
Molecular consequence: splice acceptor variant.
Genome position (GRCh38, 1-based): chr17:7,221,950, A>G. VCF-style: chr17-7221950-A-G. GRCh37 (hg19) VCF-style: chr17-7125269-A-G.
Other names: c.692-2A>G (NM_001270447.2); c.395-2A>G (NM_001270448.2); c.557-2A>G (NM_001033859.3).
Identifiers: ClinVar variation 4817437 (VCV004817437.1).